The following is an entry in ClinVar:

ClinVar aggregate classification (germline): Benign/Likely benign. Review status: criteria provided, multiple submitters, no conflicts (2 of 4 stars). 3 submissions from 3 submitters: Benign (1); Likely benign (2). Last evaluated 2024-08-21.

Conditions:
Hereditary cancer-predisposing syndrome. Also called: Hereditary Cancer Syndrome; Hereditary neoplastic syndrome; Neoplastic Syndromes, Hereditary; Tumor predisposition. Identifiers: Orphanet 140162, MedGen C0027672, MeSH D009386, MONDO:0015356.
Familial cancer of breast. Also called: hereditary breast carcinoma; BREAST CANCER, FAMILIAL; Hereditary breast cancer. Identifiers: Orphanet 227535, MedGen C0346153, MONDO:0016419, OMIM 114480. Disease mechanism: loss of function.
Fanconi anemia complementation group J. Also called: BRIP1-Related Fanconi Anemia. Identifiers: Orphanet 84, MedGen C1836860, MONDO:0012187, OMIM 609054.

Submissions (3):

Myriad Genetics, Inc.
Classification: Benign for Familial cancer of breast. Last evaluated: 2024-08-21. Review status: criteria provided, single submitter. Criteria: Myriad Autosomal Dominant, Autosomal Recessive and X-Linked Classification Criteria (2023). Collection method: clinical testing. Allele origin: unknown.
Comment: This variant is considered benign. This variant is a silent/synonymous amino acid change and it is not expected to impact splicing.

Labcorp Genetics (formerly Invitae), Labcorp
Classification: Likely benign for Familial cancer of breast; Fanconi anemia complementation group J. Last evaluated: 2023-08-24. Review status: criteria provided, single submitter. Criteria: Invitae Variant Classification Sherloc (09022015). Collection method: clinical testing. Allele origin: germline.

Color Diagnostics, LLC DBA Color Health
Classification: Likely benign for Hereditary cancer-predisposing syndrome. Last evaluated: 2019-03-28. Review status: criteria provided, single submitter. Criteria: ACMG Guidelines, 2015. Collection method: clinical testing. Allele origin: germline.

NM_032043.3(BRIP1):c.525C>T (p.Cys175=)

Gene: BRIP1 (BRCA1 interacting DNA helicase 1; minus strand). Cytogenetic location: 17q23.2.
Variant type: single nucleotide variant.
Coding change: c.525C>T on transcript NM_032043.3 (MANE Select); coding-DNA position 525, C replaced by T.
Protein change: p.Cys175=; no amino-acid change (cysteine 175 retained).
Molecular consequence: synonymous variant.
Genome position (GRCh38, 1-based): chr17:61,847,203, G>A on the plus strand (C>T on the coding strand, the complement: BRIP1 is on the minus strand). VCF-style: chr17-61847203-G-A. GRCh37 (hg19) VCF-style: chr17-59924564-G-A.
Identifiers: ClinVar variation 925652 (VCV000925652.6), dbSNP rs2078748660, ClinGen allele CA501150667.